The following is an entry in ClinVar:

NM_005045.4(RELN):c.6418G>A (p.Gly2140Arg)

Gene: RELN (reelin; minus strand). Cytogenetic location: 7q22.1.
Variant type: single nucleotide variant.
Coding change: c.6418G>A on transcript NM_005045.4 (MANE Select); coding-DNA position 6418, G replaced by A.
Protein change: p.Gly2140Arg; replaces glycine 2140 with arginine.
Molecular consequence: missense variant.
Genome position (GRCh38, 1-based): chr7:103,545,229, C>T on the plus strand (G>A on the coding strand, the complement: RELN is on the minus strand). VCF-style: chr7-103545229-C-T. GRCh37 (hg19) VCF-style: chr7-103185676-C-T.
Other names: c.6418G>A, p.Gly2140Arg (NM_173054.3); c.6418G>A (NM_005045.3); short protein forms G2140R.
Identifiers: ClinVar variation 4792452 (VCV004792452.2).

ClinVar aggregate classification (germline): Uncertain significance. Review status: criteria provided, multiple submitters, no conflicts (2 of 4 stars). 2 submissions from 2 submitters: Uncertain significance (2). Last evaluated 2026-02-04.

Conditions:
RELN-related disorder. Also called: RELN-related condition.
Familial temporal lobe epilepsy 7. Identifiers: Orphanet 101046, MedGen C4225327, MONDO:0014639, OMIM 616436.
Norman-Roberts syndrome (LIS2). Also called: Lissencephaly 2 (Norman-Roberts type). Identifiers: Orphanet 89844, MedGen C0796089, MONDO:0009760, OMIM 257320.

gnomAD v4.1: 1 of 1,614,054 alleles (0.000062%); highest among the groups gnomAD compares: Non-Finnish European, 0.000085%; no homozygotes.

Submissions (2):

PreventionGenetics, part of Exact Sciences
Classification: Uncertain significance for RELN-related condition. Last evaluated: 2026-02-04. Review status: criteria provided, single submitter. Criteria: ACMG Guidelines, 2015. Collection method: clinical testing. Allele origin: germline.
Comment: The RELN c.6418G>A variant is predicted to result in the amino acid substitution p.Gly2140Arg. To our knowledge, this variant has not been reported in the literature or in a large population database (gnomAD), indicating this variant is rare. At this time, the clinical significance of this variant is uncertain due to the absence of conclusive functional and genetic evidence.

Labcorp Genetics (formerly Invitae), Labcorp
Classification: Uncertain significance for Familial temporal lobe epilepsy 7; Norman-Roberts syndrome. Last evaluated: 2025-04-09. Review status: criteria provided, single submitter. Criteria: Invitae Variant Classification Sherloc (09022015). Collection method: clinical testing. Allele origin: germline.
Comment: This sequence change replaces glycine, which is neutral and non-polar, with arginine, which is basic and polar, at codon 2140 of the RELN protein (p.Gly2140Arg). This variant is not present in population databases (gnomAD no frequency). This variant has not been reported in the literature in individuals affected with RELN-related conditions. Invitae Evidence Modeling of protein sequence and biophysical properties (such as structural, functional, and spatial information, amino acid conservation, physicochemical variation, residue mobility, and thermodynamic stability) has been performed for this missense variant. However, the output from this modeling did not meet the statistical confidence thresholds required to predict the impact of this variant on RELN protein function. In summary, the available evidence is currently insufficient to determine the role of this variant in disease. Therefore, it has been classified as a Variant of Uncertain Significance.